The following is an entry in ClinVar:

ClinVar aggregate classification (germline): Uncertain significance. Review status: criteria provided, multiple submitters, no conflicts (2 of 4 stars). 2 submissions from 2 submitters: Uncertain significance (2). Last evaluated 2026-06-11.

Conditions:
LEPR-related disorder. Also called: LEPR-related condition; LEPR-related disorders.
Inborn genetic diseases. Identifiers: MedGen C0950123, MeSH D030342.

Allele frequency attached by ClinVar (database versions not stated): gnomAD exomes 0.00001; gnomAD 0.00010; TOPMed 0.00010; ExAC 0.00011; ESP Exome Variant Server 0.00023; 1000 Genomes Project 30x 0.00078; 1000 Genomes Project 0.00080.
gnomAD v4.1: 27 of 1,613,974 alleles (0.0017%); highest among the groups gnomAD compares: African/African-American, 0.031%; no homozygotes.

Submissions (2):

PreventionGenetics, part of Exact Sciences
Classification: Uncertain significance for LEPR-related condition. Last evaluated: 2026-06-11. Review status: criteria provided, single submitter. Criteria: ACMG Guidelines, 2015. Collection method: clinical testing. Allele origin: germline.
Comment: The LEPR c.2759A>G variant is predicted to result in the amino acid substitution p.Glu920Gly. This variant was observed in a cohort of individuals with obesity, and in vitro functional studies showed function similar to wild-type levels (Supplemental Data Set, Shah et al. 2023. PubMed ID: 36864747). This variant is reported in 0.064% of alleles in individuals of African descent in gnomAD, which may be too frequent to be a primary cause of disease. Although we suspect that this variant may be benign, the clinical significance of this variant is currently classified as uncertain due to the absence of conclusive functional and genetic evidence.

Ambry Genetics
Classification: Uncertain significance for Inborn genetic diseases. Last evaluated: 2025-08-23. Review status: criteria provided, single submitter. Criteria: Ambry Variant Classification Scheme 2023. Collection method: clinical testing. Allele origin: germline.

NM_002303.6(LEPR):c.2759A>G (p.Glu920Gly)

Gene: LEPR (leptin receptor; plus strand). Cytogenetic location: 1p31.3.
Variant type: single nucleotide variant.
Coding change: c.2759A>G on transcript NM_002303.6 (MANE Select); coding-DNA position 2759, A replaced by G.
Protein change: p.Glu920Gly; replaces glutamic acid 920 with glycine.
Molecular consequence: missense variant.
Genome position (GRCh38, 1-based): chr1:65,636,276, A>G. VCF-style: chr1-65636276-A-G. GRCh37 (hg19) VCF-style: chr1-66101959-A-G.
Other names: short protein forms E920G.
Identifiers: ClinVar variation 3060746 (VCV003060746.4), dbSNP rs139913397, ClinGen allele CA895158.
Genomic context (GRCh38, chr1:65,636,276, plus strand): 5'-TCAAGCATACAGCATCAGTGACATGTGGTCCTCTTCTTTTGGAGCCTGAAACAATTTCAG[A>G]AGATATCAGTGTTGATACATCATGGAAAAATAAAGATGAGATGATGCCAACAACTGTGGT-3'
Protein context (NP_002294.2, residues 910-930): PLLLEPETIS[Glu920Gly]DISVDTSWKN